The following is an entry in ClinVar:

NM_000548.5(TSC2):c.2546-5C>T

Gene: TSC2 (TSC complex subunit 2; plus strand). Cytogenetic location: 16p13.3.
Variant type: single nucleotide variant.
Coding change: c.2546-5C>T on transcript NM_000548.5 (MANE Select); 5 bases into the intron before coding-DNA position 2546, C replaced by T.
Molecular consequence: intron variant.
Genome position (GRCh38, 1-based): chr16:2,075,794, C>T. VCF-style: chr16-2075794-C-T. GRCh37 (hg19) VCF-style: chr16-2125795-C-T.
Other names: c.2546-5C>T (NM_001114382.3, NM_021055.3, NM_001370405.1 and 4 more transcripts); c.2435-5C>T (NM_001318827.2); c.1946-5C>T (NM_001318831.2); c.2399-5C>T (NM_001318829.2); c.2579-5C>T (NM_001318832.2).
Identifiers: ClinVar variation 49216 (VCV000049216.64), dbSNP rs45517247, ClinGen allele CA017660.

ClinVar aggregate classification (germline): Benign/Likely benign. Review status: criteria provided, multiple submitters, no conflicts (2 of 4 stars). 12 submissions from 12 submitters: Benign (4); Likely benign (6). 2 of the submissions do not count toward it. Last evaluated 2026-06-10.

Conditions:
TSC2-related disorder. Also called: TSC2-related condition; TSC2-Related Disorders.
Hereditary cancer-predisposing syndrome. Also called: Hereditary Cancer Syndrome; Tumor predisposition; Neoplastic Syndromes, Hereditary; Hereditary neoplastic syndrome. Identifiers: Orphanet 140162, MedGen C0027672, MeSH D009386, MONDO:0015356.
Tuberous sclerosis syndrome (TSC). Also called: Tuberous Sclerosis Complex; Tuberous sclerosis. Identifiers: Orphanet 805, MedGen C0041341, MONDO:0001734.
Tuberous sclerosis 2 (TSC2). Identifiers: Orphanet 805, MedGen C1860707, MONDO:0013199, OMIM 613254.

Allele frequency attached by ClinVar (database versions not stated): TOPMed 0.00008; gnomAD 0.00012; ESP Exome Variant Server 0.00015; 1000 Genomes Project 30x 0.00016.
gnomAD v4.1: 296 of 1,612,350 alleles (0.018%); highest among the groups gnomAD compares: Non-Finnish European, 0.024%; no homozygotes.

Submissions (12):

Women's Health and Genetics/Laboratory Corporation of America, LabCorp
Classification: Benign. Last evaluated: 2026-06-10. Review status: criteria provided, single submitter. Criteria: LabCorp Variant Classification Summary - May 2015. Collection method: clinical testing. Allele origin: germline.
Comment: Variant summary: TSC2 c.2546-5C>T alters a nucleotide located at a position not widely known to affect splicing. Consensus agreement among computation tools predict no significant impact on normal splicing. However, these predictions have yet to be confirmed by functional studies. The variant allele was found at a frequency of 7.2e-05 in 249292 control chromosomes. The observed variant frequency exceeds the estimated maximal expected allele frequency for disease-causing variants in TSC2. To our knowledge, no occurrence of c.2546-5C>T in individuals affected with TSC2-related conditions and no experimental evidence demonstrating its impact on protein function have been reported. ClinVar contains an entry for this variant (Variation ID: 49216). Based on the evidence outlined above, the variant was classified as benign.

Labcorp Genetics (formerly Invitae), Labcorp
Classification: Benign for Tuberous sclerosis 2. Last evaluated: 2026-01-31. Review status: criteria provided, single submitter. Criteria: Invitae Variant Classification Sherloc (09022015). Collection method: clinical testing. Allele origin: germline.

Myriad Genetics, Inc.
Classification: Benign for Tuberous sclerosis 2. Last evaluated: 2025-05-20. Review status: criteria provided, single submitter. Criteria: Myriad Autosomal Dominant, Autosomal Recessive and X-Linked Classification Criteria (2023). Collection method: clinical testing. Allele origin: unknown.
Comment: This variant is considered benign. This variant is intronic and is not expected to impact mRNA splicing. This variant has been observed at a population frequency that is significantly greater than expected given the associated disease prevalence and penetrance.

Blueprint Genetics
Classification: Likely benign. Last evaluated: 2024-03-01. Review status: criteria provided, single submitter. Criteria: ACMG Guidelines, 2015. Collection method: clinical testing. Allele origin: germline.

CeGaT Center for Human Genetics Tuebingen
Classification: Likely benign. Last evaluated: 2024-03-01. Review status: criteria provided, single submitter. Criteria: CeGaT Center For Human Genetics Tuebingen Variant Classification Criteria Version 2. Collection method: clinical testing. Allele origin: germline. Affected: yes. Observed: 3 variant alleles.
Comment: TSC2: BP4

Color Diagnostics, LLC DBA Color Health
Classification: Benign for Tuberous sclerosis syndrome. Last evaluated: 2022-08-12. Review status: criteria provided, single submitter. Criteria: ACMG Guidelines, 2015. Collection method: clinical testing. Allele origin: germline.

Genome-Nilou Lab
Classification: Likely benign for Tuberous sclerosis 2. Last evaluated: 2021-11-07. Review status: criteria provided, single submitter. Criteria: ACMG Guidelines, 2015. Collection method: clinical testing. Allele origin: germline. Affected: no.

Sema4
Classification: Likely benign for Hereditary cancer-predisposing syndrome. Last evaluated: 2021-06-18. Review status: criteria provided, single submitter. Criteria: Sema4 Curation Guidelines. Collection method: curation. Allele origin: germline.

GeneDx
Classification: Likely benign. Last evaluated: 2021-05-24. Review status: criteria provided, single submitter. Criteria: GeneDx Variant Classification Process June 2021. Collection method: clinical testing. Allele origin: germline. Affected: yes.

Ambry Genetics
Classification: Likely benign for Hereditary cancer-predisposing syndrome. Last evaluated: 2018-08-20. Review status: criteria provided, single submitter. Criteria: Ambry Variant Classification Scheme 2023. Collection method: clinical testing. Allele origin: germline.

PreventionGenetics, part of Exact Sciences
Classification: Likely benign for TSC2-related condition. Last evaluated: 2022-11-17. Review status: no assertion criteria provided. Collection method: clinical testing. Allele origin: germline. Not counted in ClinVar's aggregate classification.
Comment: This variant is classified as likely benign based on ACMG/AMP sequence variant interpretation guidelines (Richards et al. 2015 PMID: 25741868, with internal and published modifications).

Tuberous sclerosis database (TSC2)
No classification provided. Condition: TSC. Review status: no classification provided. Criteria: Tuberous Sclerosis Database Assertion Criteria 2015. Collection method: curation. Allele origin: germline. Affected: yes. Not counted in ClinVar's aggregate classification.

Literature cited by the submitters: PubMed 11810271 (cited by Ambry Genetics).